The following is an entry in ClinVar:

NM_033026.6(PCLO):c.1346T>A (p.Ile449Asn)

Gene: PCLO (piccolo presynaptic cytomatrix protein; minus strand). Cytogenetic location: 7q21.11.
Variant type: single nucleotide variant.
Coding change: c.1346T>A on transcript NM_033026.6 (MANE Select); coding-DNA position 1346, T replaced by A.
Protein change: p.Ile449Asn; replaces isoleucine 449 with asparagine.
Molecular consequence: missense variant.
Genome position (GRCh38, 1-based): chr7:83,155,295, A>T on the plus strand (T>A on the coding strand, the complement: PCLO is on the minus strand). VCF-style: chr7-83155295-A-T. GRCh37 (hg19) VCF-style: chr7-82784611-A-T.
Other names: c.1346T>A, p.Ile449Asn (NM_014510.3); c.1346T>A (NM_033026.5); short protein forms I449N.
Identifiers: ClinVar variation 1380737 (VCV001380737.6), dbSNP rs1792250744, ClinGen allele CA367914594.

ClinVar aggregate classification (germline): Uncertain significance. Review status: criteria provided, multiple submitters, no conflicts (2 of 4 stars). 2 submissions from 2 submitters: Uncertain significance (2). Last evaluated 2025-05-21.

Conditions:
Inborn genetic diseases. Identifiers: MedGen C0950123, MeSH D030342.

Allele frequency attached by ClinVar (database versions not stated): gnomAD exomes below 0.00001.
gnomAD v4.1: 4 of 1,613,706 alleles (0.00025%); highest among the groups gnomAD compares: Non-Finnish European, 0.00025%; no homozygotes.

Submissions (2):

Ambry Genetics
Classification: Uncertain significance for Inborn genetic diseases. Last evaluated: 2025-05-21. Review status: criteria provided, single submitter. Criteria: Ambry Variant Classification Scheme 2023. Collection method: clinical testing. Allele origin: germline.

Labcorp Genetics (formerly Invitae), Labcorp
Classification: Uncertain significance. Last evaluated: 2022-02-19. Review status: criteria provided, single submitter. Criteria: Invitae Variant Classification Sherloc (09022015). Collection method: clinical testing. Allele origin: germline.
Comment: This sequence change replaces isoleucine, which is neutral and non-polar, with asparagine, which is neutral and polar, at codon 449 of the PCLO protein (p.Ile449Asn). This variant is not present in population databases (gnomAD no frequency). This variant has not been reported in the literature in individuals affected with PCLO-related conditions. Algorithms developed to predict the effect of missense changes on protein structure and function are either unavailable or do not agree on the potential impact of this missense change (SIFT: "Deleterious"; PolyPhen-2: "Possibly Damaging"; Align-GVGD: "Class C0"). In summary, the available evidence is currently insufficient to determine the role of this variant in disease. Therefore, it has been classified as a Variant of Uncertain Significance.